The following is an entry in ClinVar:

ClinVar aggregate classification (germline): Likely benign (1 of 4 stars; one submission).

Conditions:
COL4A1-related disorder. Also called: COL4A1-related disorders; COL4A1-related condition. Identifiers: MedGen CN376119, MONDO:0800461.

gnomAD v4.1: 2 of 1,613,874 alleles (0.00012%); highest among the groups gnomAD compares: Non-Finnish European, 0.000085%; no homozygotes.

Submission:

PreventionGenetics, part of Exact Sciences
Classification: Likely benign for COL4A1-related condition. Last evaluated: 2024-12-18. Review status: criteria provided, single submitter. Criteria: ACMG Guidelines, 2015. Collection method: clinical testing. Allele origin: germline.
Comment: This variant is classified as likely benign based on ACMG/AMP sequence variant interpretation guidelines (Richards et al. 2015 PMID: 25741868, with internal and published modifications).

NM_001845.6(COL4A1):c.652-5C>T

Gene: COL4A1 (collagen type IV alpha 1 chain; minus strand). Cytogenetic location: 13q34.
Variant type: single nucleotide variant.
Coding change: c.652-5C>T on transcript NM_001845.6 (MANE Select); 5 bases into the intron before coding-DNA position 652, C replaced by T.
Molecular consequence: intron variant.
Genome position (GRCh38, 1-based): chr13:110,208,895, G>A on the plus strand (C>T on the coding strand, the complement: COL4A1 is on the minus strand). VCF-style: chr13-110208895-G-A. GRCh37 (hg19) VCF-style: chr13-110861242-G-A.
Other names: c.652-5C>T (NM_001303110.2).
Identifiers: ClinVar variation 4977996 (VCV004977996.1).